The following is an entry in ClinVar:

ClinVar aggregate classification (germline): Conflicting classifications of pathogenicity. Review status: criteria provided, conflicting classifications (1 of 4 stars). 5 submissions from 5 submitters: Uncertain significance (1); Benign (1); Likely benign (3). Last evaluated 2026-01-06.

Conditions:
TOPORS-related disorder. Also called: TOPORS-related condition.
Retinitis pigmentosa 31 (RP31). Identifiers: Orphanet 791, MedGen C1835923, MONDO:0012367, OMIM 609923.
Retinal dystrophy. Also called: Inherited retinal dystrophy. Identifiers: Orphanet 71862, MedGen C0854723, MeSH D058499, MONDO:0019118, HP:0000556.

Submissions (5):

Labcorp Genetics (formerly Invitae), Labcorp
Classification: Likely benign. Last evaluated: 2026-01-06. Review status: criteria provided, single submitter. Criteria: Invitae Variant Classification Sherloc (09022015). Collection method: clinical testing. Allele origin: germline.

PreventionGenetics, part of Exact Sciences
Classification: Likely benign for TOPORS-related condition. Last evaluated: 2025-02-11. Review status: criteria provided, single submitter. Criteria: ACMG Guidelines, 2015. Collection method: clinical testing. Allele origin: germline.
Comment: This variant is classified as likely benign based on ACMG/AMP sequence variant interpretation guidelines (Richards et al. 2015 PMID: 25741868, with internal and published modifications).

Blueprint Genetics
Classification: Likely benign. Last evaluated: 2024-11-01. Review status: criteria provided, single submitter. Criteria: ACMG Guidelines, 2015. Collection method: clinical testing. Allele origin: germline.

Dept Of Ophthalmology, Nagoya University
Classification: Benign for Retinal dystrophy. Last evaluated: 2023-10-01. Review status: criteria provided, single submitter. Criteria: Submitter's publication. Collection method: research. Allele origin: germline. Affected: yes.

Department of Pathology and Laboratory Medicine, Sinai Health System
Classification: Uncertain significance for Retinitis pigmentosa 31. Last evaluated: 2021-12-03. Review status: criteria provided, single submitter. Criteria: ACMG Guidelines, 2015. Collection method: research. Allele origin: germline.

NM_005802.5(TOPORS):c.2484_2486del (p.Ser830del)

Gene: TOPORS (TOP1 binding arginine/serine rich protein, E3 ubiquitin ligase; minus strand). Cytogenetic location: 9p21.1.
Variant type: Deletion.
Coding change: c.2484_2486del on transcript NM_005802.5 (MANE Select); coding-DNA positions 2484 to 2486, 3 bases deleted (TTC; older notation c.2484_2486delTTC).
Protein change: p.Ser830del; deletes serine 830.
Molecular consequence: inframe deletion.
Genome position (GRCh38, 1-based): chr9:32,542,039-32,542,041, GAA deleted on the plus strand (TTC on the coding strand, the reverse complement: TOPORS is on the minus strand); deleting any 3 consecutive bases within chr9:32,542,039-32,542,043 gives the same sequence; the c. name uses the placement nearest the transcript's 3' end. VCF-style (leftmost placement, unchanged base first): chr9-32542038-TGAA-T. GRCh37 (hg19) VCF-style: chr9-32542036-TGAA-T.
Other names: c.2289_2291del, p.Ser765del (NM_001195622.2); c.2484_2486delTTC (NM_005802.5, NM_005802.4); short protein forms S765del, S830del.
Identifiers: ClinVar variation 712381 (VCV000712381.14), dbSNP rs750237658, ClinGen allele CA5020360.